The following is an entry in ClinVar:

ClinVar aggregate classification (germline): Uncertain significance (1 of 4 stars; one submission).

Conditions:
Developmental and epileptic encephalopathy, 31A. Also called: Epileptic encephalopathy, early infantile, 31; Developmental and epileptic encephalopathy, 31. Identifiers: Orphanet 2382, MedGen C4225357, MONDO:0014598, OMIM 616346.

Submission:

Labcorp Genetics (formerly Invitae), Labcorp
Classification: Uncertain significance for Developmental and epileptic encephalopathy, 31A. Last evaluated: 2024-01-02. Review status: criteria provided, single submitter. Criteria: Invitae Variant Classification Sherloc (09022015). Collection method: clinical testing. Allele origin: germline.
Comment: This sequence change replaces valine, which is neutral and non-polar, with glycine, which is neutral and non-polar, at codon 428 of the DNM1 protein (p.Val428Gly). This variant is not present in population databases (gnomAD no frequency). This variant has not been reported in the literature in individuals affected with DNM1-related conditions. Advanced modeling of protein sequence and biophysical properties (such as structural, functional, and spatial information, amino acid conservation, physicochemical variation, residue mobility, and thermodynamic stability) performed at Invitae indicates that this missense variant is expected to disrupt DNM1 protein function with a positive predictive value of 80%. In summary, the available evidence is currently insufficient to determine the role of this variant in disease. Therefore, it has been classified as a Variant of Uncertain Significance.

NM_004408.4(DNM1):c.1283T>G (p.Val428Gly)

Gene: DNM1 (dynamin 1; plus strand). Cytogenetic location: 9q34.11.
Variant type: single nucleotide variant.
Coding change: c.1283T>G on transcript NM_004408.4 (MANE Select); coding-DNA position 1283, T replaced by G.
Protein change: p.Val428Gly; replaces valine 428 with glycine.
Molecular consequence: missense variant. On other transcripts: intron variant (3).
Genome position (GRCh38, 1-based): chr9:128,224,337, T>G. VCF-style: chr9-128224337-T-G. GRCh37 (hg19) VCF-style: chr9-130986616-T-G.
Other names: c.1283T>G, p.Val428Gly (NM_001005336.3, NM_001374269.1); c.1196+1477T>G (NM_001288738.2, NM_001288737.2, NM_001288739.2); short protein forms V428G.
Identifiers: ClinVar variation 2696457 (VCV002696457.3), dbSNP rs2539005173, ClinGen allele CA375018637.